The following is an entry in ClinVar:

ClinVar aggregate classification (germline): Uncertain significance (1 of 4 stars; one submission).

Allele frequency attached by ClinVar (database versions not stated): gnomAD 0.00001; gnomAD exomes 0.00001; TOPMed 0.00001; ExAC 0.00002.
gnomAD v4.1: 17 of 1,613,982 alleles (0.0011%); highest among the groups gnomAD compares: African/African-American, 0.0027%; no homozygotes.

Submission:

Labcorp Genetics (formerly Invitae), Labcorp
Classification: Uncertain significance. Last evaluated: 2022-03-19. Review status: criteria provided, single submitter. Criteria: Invitae Variant Classification Sherloc (09022015). Collection method: clinical testing. Allele origin: germline.
Comment: This sequence change replaces arginine, which is basic and polar, with histidine, which is basic and polar, at codon 367 of the RUSC2 protein (p.Arg367His). This variant is present in population databases (rs766537299, gnomAD 0.006%). This variant has not been reported in the literature in individuals affected with RUSC2-related conditions. Algorithms developed to predict the effect of missense changes on protein structure and function output the following: SIFT: "Tolerated"; PolyPhen-2: "Benign"; Align-GVGD: "Class C0". The histidine amino acid residue is found in multiple mammalian species, which suggests that this missense change does not adversely affect protein function. In summary, the available evidence is currently insufficient to determine the role of this variant in disease. Therefore, it has been classified as a Variant of Uncertain Significance.

NM_014806.5(RUSC2):c.1100G>A (p.Arg367His)

Gene: RUSC2 (RUN and SH3 domain containing 2; plus strand). Cytogenetic location: 9p13.3.
Variant type: single nucleotide variant.
Coding change: c.1100G>A on transcript NM_014806.5 (MANE Select); coding-DNA position 1100, G replaced by A.
Protein change: p.Arg367His; replaces arginine 367 with histidine.
Molecular consequence: missense variant. On other transcripts: non-coding transcript variant (1), intron variant (1).
Genome position (GRCh38, 1-based): chr9:35,547,621, G>A. VCF-style: chr9-35547621-G-A. GRCh37 (hg19) VCF-style: chr9-35547618-G-A.
Other names: c.1100G>A, p.Arg367His (NM_001135999.2); c.-620-7439G>A (NM_001330740.2); short protein forms R367H.
Identifiers: ClinVar variation 2175951 (VCV002175951.3), dbSNP rs766537299, ClinGen allele CA5043587.